The following is an entry in ClinVar:

ClinVar aggregate classification (germline): Uncertain significance (1 of 4 stars; one submission).

Conditions:
Dystonia 12 (DYT12). Also called: Rapid-Onset Dystonia-Parkinsonism (RDP); DYT-ATP1A3. Identifiers: Orphanet 71517, MedGen C1868681, MONDO:0007496, OMIM 128235.

Allele frequency attached by ClinVar (database versions not stated): gnomAD exomes below 0.00001.
gnomAD v4.1: 1 of 1,608,092 alleles (0.000062%); highest among the groups gnomAD compares: Non-Finnish European, 0.000085%; no homozygotes.

Submission:

Labcorp Genetics (formerly Invitae), Labcorp
Classification: Uncertain significance for Dystonia 12. Last evaluated: 2026-02-01. Review status: criteria provided, single submitter. Criteria: Invitae Variant Classification Sherloc (09022015). Collection method: clinical testing. Allele origin: germline.
Comment: This sequence change replaces glutamic acid, which is acidic and polar, with lysine, which is basic and polar, at codon 553 of the ATP1A3 protein (p.Glu553Lys). This variant is not present in population databases (gnomAD no frequency). This variant has not been reported in the literature in individuals affected with ATP1A3-related conditions. ClinVar contains an entry for this variant (Variation ID: 1038703). Invitae Evidence Modeling of protein sequence and biophysical properties (such as structural, functional, and spatial information, amino acid conservation, physicochemical variation, residue mobility, and thermodynamic stability) has been performed for this missense variant. However, the output from this modeling did not meet the statistical confidence thresholds required to predict the impact of this variant on ATP1A3 protein function. In summary, the available evidence is currently insufficient to determine the role of this variant in disease. Therefore, it has been classified as a Variant of Uncertain Significance.

NM_152296.5(ATP1A3):c.1657G>A (p.Glu553Lys)

Gene: ATP1A3 (ATPase Na+/K+ transporting subunit alpha 3; minus strand). Cytogenetic location: 19q13.2.
Variant type: single nucleotide variant.
Coding change: c.1657G>A on transcript NM_152296.5 (MANE Select); coding-DNA position 1657, G replaced by A.
Protein change: p.Glu553Lys; replaces glutamic acid 553 with lysine.
Molecular consequence: missense variant.
Genome position (GRCh38, 1-based): chr19:41,978,300, C>T on the plus strand (G>A on the coding strand, the complement: ATP1A3 is on the minus strand). VCF-style: chr19-41978300-C-T. GRCh37 (hg19) VCF-style: chr19-42482452-C-T.
Other names: c.1690G>A, p.Glu564Lys (NM_001256213.2); c.1696G>A, p.Glu566Lys (NM_001256214.2); short protein forms E553K, E566K, E564K.
Identifiers: ClinVar variation 1038703 (VCV001038703.6), dbSNP rs2075193714, ClinGen allele CA406046060.
Genomic context (GRCh38, chr19:41,978,300, plus strand): 5'-GGTTGTCCGTGGTGAAGTTCACGTCATCACAGTCGAAGGCAAAGCCCTTGGGGAACTGCT[C>T]CTCGGGCAGGTAATAATGGCAGAAACCTAGTGGCAGGGAAGGGTTGGGGTGTGAGGGTCC-3'
Protein context (NP_689509.1, residues 543-563): LGFCHYYLPE[Glu553Lys]QFPKGFAFDC